The following is an entry in ClinVar:

NM_005026.5(PIK3CD):c.1432G>A (p.Val478Met)

Genes: PIK3CD (phosphatidylinositol-4,5-bisphosphate 3-kinase catalytic subunit delta; plus strand), LOC126805612 (MED14-independent group 3 enhancer GRCh37_chr1:9778914-9780113; plus strand). Cytogenetic location: 1p36.22.
Variant type: single nucleotide variant.
Coding change: c.1432G>A on transcript NM_005026.5 (MANE Select); coding-DNA position 1432, G replaced by A.
Protein change: p.Val478Met; replaces valine 478 with methionine.
Molecular consequence: missense variant.
Genome position (GRCh38, 1-based): chr1:9,720,204, G>A. VCF-style: chr1-9720204-G-A. GRCh37 (hg19) VCF-style: chr1-9780262-G-A.
Other names: c.1432G>A, p.Val478Met (NM_001350234.2); c.1345G>A, p.Val449Met (NM_001350235.1); short protein forms V449M, V478M.
Identifiers: ClinVar variation 970345 (VCV000970345.10), dbSNP rs1648292751, ClinGen allele CA338302854.

ClinVar aggregate classification (germline): Uncertain significance (1 of 4 stars; one submission).

Conditions:
Immunodeficiency 14 (IMD14A). Also called: ACTIVATED PI3K-DELTA SYNDROME 1; IMMUNODEFICIENCY 14A WITH LYMPHOPROLIFERATION, AUTOSOMAL DOMINANT; Activated PI3K Delta Syndrome Type 1 (APDS1); p110-DELTA-ACTIVATING MUTATION CAUSING SENESCENT T CELLS, LYMPHADENOPATHY, AND IMMUNODEFICIENCY. Identifiers: Orphanet 397596, Orphanet 693661, MedGen C5907821, MONDO:0014222, OMIM 615513.

Submission:

Labcorp Genetics (formerly Invitae), Labcorp
Classification: Uncertain significance for Activated PI3K-delta syndrome. Last evaluated: 2022-02-03. Review status: criteria provided, single submitter. Criteria: Invitae Variant Classification Sherloc (09022015). Collection method: clinical testing. Allele origin: germline.
Comment: This variant is not present in population databases (gnomAD no frequency). In summary, the available evidence is currently insufficient to determine the role of this variant in disease. Therefore, it has been classified as a Variant of Uncertain Significance. Algorithms developed to predict the effect of missense changes on protein structure and function are either unavailable or do not agree on the potential impact of this missense change (SIFT: "Tolerated"; PolyPhen-2: "Possibly Damaging"; Align-GVGD: "Class C0"). ClinVar contains an entry for this variant (Variation ID: 970345). This variant has not been reported in the literature in individuals affected with PIK3CD-related conditions. This sequence change replaces valine, which is neutral and non-polar, with methionine, which is neutral and non-polar, at codon 478 of the PIK3CD protein (p.Val478Met).